The following is an entry in ClinVar:

NM_002775.5(HTRA1):c.1296C>T (p.Asp432=)

Gene: HTRA1 (HtrA serine peptidase 1; plus strand). Cytogenetic location: 10q26.13.
Variant type: single nucleotide variant.
Coding change: c.1296C>T on transcript NM_002775.5 (MANE Select); coding-DNA position 1296, C replaced by T.
Protein change: p.Asp432=; no amino-acid change (aspartic acid 432 retained).
Molecular consequence: synonymous variant.
Genome position (GRCh38, 1-based): chr10:122,514,212, C>T. VCF-style: chr10-122514212-C-T. GRCh37 (hg19) VCF-style: chr10-124273728-C-T.
Other names: c.1296C>T (NM_002775.4).
Identifiers: ClinVar variation 1564790 (VCV001564790.39), dbSNP rs368158443, ClinGen allele CA5726151.

ClinVar aggregate classification (germline): Likely benign. Review status: criteria provided, multiple submitters, no conflicts (2 of 4 stars). 4 submissions from 4 submitters: Likely benign (4). Last evaluated 2025-06-09.

Conditions:
HTRA1-related disorder. Also called: HTRA1-related condition.

Allele frequency attached by ClinVar (database versions not stated): gnomAD exomes 0.00002 and 0.00006; gnomAD 0.00004; ExAC 0.00007; ESP Exome Variant Server 0.00008; TOPMed 0.00008.
gnomAD v4.1: 40 of 1,613,810 alleles (0.0025%); highest among the groups gnomAD compares: Admixed American, 0.032%; no homozygotes.

Submissions (4):

Labcorp Genetics (formerly Invitae), Labcorp
Classification: Likely benign. Last evaluated: 2025-06-09. Review status: criteria provided, single submitter. Criteria: Invitae Variant Classification Sherloc (09022015). Collection method: clinical testing. Allele origin: germline.

PreventionGenetics, part of Exact Sciences
Classification: Likely benign for HTRA1-related condition. Last evaluated: 2025-05-28. Review status: criteria provided, single submitter. Criteria: ACMG Guidelines, 2015. Collection method: clinical testing. Allele origin: germline.
Comment: This variant is classified as likely benign based on ACMG/AMP sequence variant interpretation guidelines (Richards et al. 2015 PMID: 25741868, with internal and published modifications).

CeGaT Center for Human Genetics Tuebingen
Classification: Likely benign. Last evaluated: 2022-07-01. Review status: criteria provided, single submitter. Criteria: CeGaT Center For Human Genetics Tuebingen Variant Classification Criteria Version 2. Collection method: clinical testing. Allele origin: germline. Affected: yes. Observed: 1 variant allele.
Comment: HTRA1: BP4, BP7

Blueprint Genetics
Classification: Likely benign. Last evaluated: 2022-05-05. Review status: criteria provided, single submitter. Criteria: ACMG Guidelines, 2015. Collection method: clinical testing. Allele origin: germline.